The following is an entry in ClinVar:

NM_000492.4(CFTR):c.640C>T (p.Leu214=)

Gene: CFTR (CF transmembrane conductance regulator; plus strand). Cytogenetic location: 7q31.2.
Variant type: single nucleotide variant.
Coding change: c.640C>T on transcript NM_000492.4 (MANE Select); coding-DNA position 640, C replaced by T.
Protein change: p.Leu214=; no amino-acid change (leucine 214 retained).
Molecular consequence: synonymous variant.
Genome position (GRCh38, 1-based): chr7:117,535,308, C>T. VCF-style: chr7-117535308-C-T. GRCh37 (hg19) VCF-style: chr7-117175362-C-T.
Identifiers: ClinVar variation 699277 (VCV000699277.15), dbSNP rs188457893, ClinGen allele CA4450792.

ClinVar aggregate classification (germline): Likely benign. Review status: criteria provided, multiple submitters, no conflicts (2 of 4 stars). 4 submissions from 4 submitters: Likely benign (4). Last evaluated 2025-12-30.

Conditions:
Cystic fibrosis (CF). Also called: MUCOVISCIDOSIS. Identifiers: Orphanet 586, MedGen C0010674, MONDO:0009061, OMIM 219700. Disease mechanism: loss of function.
CFTR-related disorder (CFTR-RD). Also called: CFTR-related condition; CFTR-related disorders. Identifiers: MedGen C5924204, MONDO:7770004.

Allele frequency attached by ClinVar (database versions not stated): gnomAD 0.00001 and 0.00002; TOPMed 0.00001; 1000 Genomes Project 30x 0.00016; 1000 Genomes Project 0.00020.
gnomAD v4.1: 11 of 1,614,050 alleles (0.00068%); highest among the groups gnomAD compares: Admixed American, 0.01%; no homozygotes.

Submissions (4):

PreventionGenetics, part of Exact Sciences
Classification: Likely benign for CFTR-related condition. Last evaluated: 2025-12-30. Review status: criteria provided, single submitter. Criteria: ACMG Guidelines, 2015. Collection method: clinical testing. Allele origin: germline.
Comment: This variant is classified as likely benign based on ACMG/AMP sequence variant interpretation guidelines (Richards et al. 2015 PMID: 25741868, with internal and published modifications).

Women's Health and Genetics/Laboratory Corporation of America, LabCorp
Classification: Likely benign. Last evaluated: 2024-12-06. Review status: criteria provided, single submitter. Criteria: LabCorp Variant Classification Summary - May 2015. Collection method: clinical testing. Allele origin: germline.

Labcorp Genetics (formerly Invitae), Labcorp
Classification: Likely benign for Cystic fibrosis. Last evaluated: 2024-03-20. Review status: criteria provided, single submitter. Criteria: Invitae Variant Classification Sherloc (09022015). Collection method: clinical testing. Allele origin: germline.

Ambry Genetics
Classification: Likely benign for Cystic fibrosis. Last evaluated: 2022-04-19. Review status: criteria provided, single submitter. Criteria: Ambry Variant Classification Scheme 2023. Collection method: clinical testing. Allele origin: germline.